The following is an entry in ClinVar:

NM_001009944.3(PKD1):c.11157-1G>A

Genes: PKD1 (polycystin 1, transient receptor potential channel interacting; minus strand), PKD1-AS1 (PKD1 antisense RNA 1; plus strand). Cytogenetic location: 16p13.3.
Variant type: single nucleotide variant.
Coding change: c.11157-1G>A on transcript NM_001009944.3 (MANE Select); the canonical splice acceptor site of the intron before coding-DNA position 11157, G replaced by A.
Molecular consequence: splice acceptor variant.
Genome position (GRCh38, 1-based): chr16:2,092,593, C>T on the plus strand (G>A on the coding strand, the complement: PKD1 is on the minus strand). VCF-style: chr16-2092593-C-T. GRCh37 (hg19) VCF-style: chr16-2142594-C-T.
Other names: c.11157-1G>A (NM_001009944.2); c.11154-1G>A (NM_000296.4).
Identifiers: ClinVar variation 997190 (VCV000997190.2), dbSNP rs2091646317, ClinGen allele CA394336564.

ClinVar aggregate classification (germline): Likely pathogenic. Review status: criteria provided, single submitter (1 of 4 stars). 2 submissions from 2 submitters: Likely pathogenic (1). 1 of the submissions does not count toward it. Last evaluated 2024-12-04.

Conditions:
Polycystic kidney disease. Also called: Kidney, Polycystic; Polycystic kidney dysplasia. Identifiers: MedGen C0022680, MeSH D007690, MONDO:0020642, HP:0000113.
PKD1-related disorder. Also called: PKD1-related condition.

Submissions (2):

PreventionGenetics, part of Exact Sciences
Classification: Likely pathogenic for PKD1-related condition. Last evaluated: 2024-12-04. Review status: criteria provided, single submitter. Criteria: ACMG Guidelines, 2015. Collection method: clinical testing. Allele origin: germline.
Comment: The PKD1 c.11157-1G>A variant is predicted to disrupt the AG splice acceptor site and interfere with normal splicing. To our knowledge, this variant has not been reported in the literature or in a large population database (gnomAD), indicating this variant is rare. Variants that disrupt the consensus splice acceptor site in PKD1 are expected to be pathogenic. This variant is interpreted as likely pathogenic.

Department of Pathology and Laboratory Medicine, Sinai Health System
Classification: Pathogenic for Polycystic Kidney disease. Review status: no assertion criteria provided. Collection method: clinical testing. Allele origin: unknown. Affected: yes. Observed: 1 variant allele. Study: The Canadian Open Genetics Repository (COGR). Not counted in ClinVar's aggregate classification.
Comment: The PKD1 c.11157-1G>A variant was not identified in the literature nor was it identified in the dbSNP, ClinVar, COGR, LOVD 3.0, ADPKD Mutation Database, or PKD1-LOVD databases. The variant was not identified in the following control databases: the Exome Aggregation Consortium (August 8th 2016), or the Genome Aggregation Database (Feb 27, 2017). The c.11157-1G>A variant is predicted to cause abnormal splicing because the nucleotide substitution occurs in the invariant region of the splice consensus sequence. In addition, 2 of 2 in silico or computational prediction software programs (SpliceSiteFinder, MaxEntScan) predict a greater than 10% difference in splicing. In summary, based on the above information this variant meets our laboratoryâ€šÃ„Ã´s criteria to be classified as pathogenic.